The following is an entry in ClinVar:

ClinVar aggregate classification (germline): Conflicting classifications of pathogenicity. Review status: criteria provided, conflicting classifications (1 of 4 stars). 2 submissions from 2 submitters: Uncertain significance (1); Likely benign (1). Last evaluated 2024-12-14.

Conditions:
Inborn genetic diseases. Identifiers: MedGen C0950123, MeSH D030342.

Allele frequency attached by ClinVar (database versions not stated): gnomAD 0.00002 and 0.00004; gnomAD exomes 0.00003; TOPMed 0.00004; ExAC 0.00005.
gnomAD v4.1: 46 of 1,613,058 alleles (0.0029%); highest among the groups gnomAD compares: South Asian, 0.038%; no homozygotes.

Submissions (2):

Ambry Genetics
Classification: Likely benign for Inborn genetic diseases. Last evaluated: 2024-12-14. Review status: criteria provided, single submitter. Criteria: Ambry Variant Classification Scheme 2023. Collection method: clinical testing. Allele origin: germline.

Labcorp Genetics (formerly Invitae), Labcorp
Classification: Uncertain significance. Last evaluated: 2022-06-13. Review status: criteria provided, single submitter. Criteria: Invitae Variant Classification Sherloc (09022015). Collection method: clinical testing. Allele origin: germline.
Comment: This sequence change replaces arginine, which is basic and polar, with glutamine, which is neutral and polar, at codon 517 of the TONSL protein (p.Arg517Gln). This variant is present in population databases (rs759158029, gnomAD 0.04%). This variant has not been reported in the literature in individuals affected with TONSL-related conditions. Algorithms developed to predict the effect of missense changes on protein structure and function output the following: SIFT: "Deleterious"; PolyPhen-2: "Benign"; Align-GVGD: "Class C0". The glutamine amino acid residue is found in multiple mammalian species, which suggests that this missense change does not adversely affect protein function. Algorithms developed to predict the effect of sequence changes on RNA splicing suggest that this variant may create or strengthen a splice site. In summary, the available evidence is currently insufficient to determine the role of this variant in disease. Therefore, it has been classified as a Variant of Uncertain Significance.

NM_013432.5(TONSL):c.1550G>A (p.Arg517Gln)

Genes: TONSL (tonsoku like, DNA repair protein; minus strand), TONSL-AS1 (TONSL antisense RNA 1; plus strand). Cytogenetic location: 8q24.3.
Variant type: single nucleotide variant.
Coding change: c.1550G>A on transcript NM_013432.5 (MANE Select); coding-DNA position 1550, G replaced by A.
Protein change: p.Arg517Gln; replaces arginine 517 with glutamine.
Molecular consequence: missense variant.
Genome position (GRCh38, 1-based): chr8:144,438,666, C>T on the plus strand (G>A on the coding strand, the complement: TONSL is on the minus strand). VCF-style: chr8-144438666-C-T. GRCh37 (hg19) VCF-style: chr8-145664049-C-T.
Other names: c.1550G>A (NM_013432.4); short protein forms R517Q.
Identifiers: ClinVar variation 1441243 (VCV001441243.6), dbSNP rs759158029, ClinGen allele CA4943175.